The following is an entry in ClinVar:

NM_002180.3(IGHMBP2):c.1235+988G>A

Gene: IGHMBP2 (immunoglobulin mu DNA binding protein 2; plus strand). Cytogenetic location: 11q13.3.
Variant type: single nucleotide variant.
Coding change: c.1235+988G>A on transcript NM_002180.3 (MANE Select); 988 bases into the intron after coding-DNA position 1235, G replaced by A.
Molecular consequence: intron variant.
Genome position (GRCh38, 1-based): chr11:68,930,345, G>A. VCF-style: chr11-68930345-G-A. GRCh37 (hg19) VCF-style: chr11-68697813-G-A.
Identifiers: ClinVar variation 3354867 (VCV003354867.2).

ClinVar aggregate classification (germline): Likely benign (1 of 4 stars; one submission).

Conditions:
IGHMBP2-related disorder. Also called: IGHMBP2-related condition; IGHMBP2-related disorders.

gnomAD v4.1: 468 of 1,289,790 alleles (0.036%); highest among the groups gnomAD compares: Non-Finnish European, 0.046%; no homozygotes.

Submission:

PreventionGenetics, part of Exact Sciences
Classification: Likely benign for IGHMBP2-related condition. Last evaluated: 2025-03-17. Review status: criteria provided, single submitter. Criteria: ACMG Guidelines, 2015. Collection method: clinical testing. Allele origin: germline.
Comment: This variant is classified as likely benign based on ACMG/AMP sequence variant interpretation guidelines (Richards et al. 2015 PMID: 25741868, with internal and published modifications).